The following is an entry in ClinVar:

NM_001292063.2(OTOG):c.4641G>T (p.Glu1547Asp)

Gene: OTOG (otogelin; plus strand). Cytogenetic location: 11p15.1.
Variant type: single nucleotide variant.
Coding change: c.4641G>T on transcript NM_001292063.2 (MANE Select); coding-DNA position 4641, G replaced by T.
Protein change: p.Glu1547Asp; replaces glutamic acid 1547 with aspartic acid.
Molecular consequence: missense variant.
Genome position (GRCh38, 1-based): chr11:17,609,941, G>T. VCF-style: chr11-17609941-G-T. GRCh37 (hg19) VCF-style: chr11-17631488-G-T.
Other names: c.4677G>T, p.Glu1559Asp (NM_001277269.2); short protein forms E1559D, E1547D.
Identifiers: ClinVar variation 506169 (VCV000506169.43), dbSNP rs764159927, ClinGen allele CA5905862.
Genomic context (GRCh38, chr11:17,609,941, plus strand): 5'-GACCACCCTGCAGCAGCCACTGGAGCTCACTGCATCTCAACTCCCCGCCGGCCCCACGGA[G>T]TCCCCAGCCAGCAAGGGAGTGACTGCCAGCCTCCTGGCCATCCCCCATACACCAGAGTCC-3'
Protein context (NP_001278992.1, residues 1537-1557): TASQLPAGPT[Glu1547Asp]SPASKGVTAS

ClinVar aggregate classification (germline): Conflicting classifications of pathogenicity. Review status: criteria provided, conflicting classifications (1 of 4 stars). 7 submissions from 7 submitters: Uncertain significance (4); Likely benign (3). Last evaluated 2026-09-08.

Conditions:
OTOG-related disorder. Also called: OTOG-related condition.

Allele frequency attached by ClinVar (database versions not stated): gnomAD exomes 0.00034 and 0.00083; TOPMed 0.00056; gnomAD 0.00060 and 0.00061; ExAC 0.00063.
gnomAD v4.1: 1,240 of 1,538,114 alleles (0.081%); highest among the groups gnomAD compares: Non-Finnish European, 0.1%; 2 homozygotes.

Submissions (7):

PreventionGenetics, part of Exact Sciences
Classification: Uncertain significance for OTOG-related condition. Last evaluated: 2026-09-08. Review status: criteria provided, single submitter. Criteria: ACMG Guidelines, 2015. Collection method: clinical testing. Allele origin: germline.
Comment: The OTOG c.4677G>T variant is predicted to result in the amino acid substitution p.Glu1559Asp. To our knowledge, this variant has not been reported in the literature. This variant is reported in 0.082% of alleles in individuals of European (Non-Finnish) descent in gnomAD. Although we suspect that this variant may be benign, at this time, the clinical significance of this variant is uncertain due to the absence of conclusive functional and genetic evidence.

CeGaT Center for Human Genetics Tuebingen
Classification: Likely benign. Last evaluated: 2026-03-01. Review status: criteria provided, single submitter. Criteria: CeGaT Center For Human Genetics Tuebingen Variant Classification Criteria Version 2. Collection method: clinical testing. Allele origin: germline. Affected: yes. Observed: 3 variant alleles.
Comment: OTOG: BP4, BS2

Labcorp Genetics (formerly Invitae), Labcorp
Classification: Likely benign. Last evaluated: 2026-01-19. Review status: criteria provided, single submitter. Criteria: Invitae Variant Classification Sherloc (09022015). Collection method: clinical testing. Allele origin: germline.

Blueprint Genetics
Classification: Uncertain significance. Last evaluated: 2024-10-29. Review status: criteria provided, single submitter. Criteria: ACMG Guidelines, 2015. Collection method: clinical testing. Allele origin: germline.

Athena Diagnostics
Classification: Uncertain significance. Last evaluated: 2023-01-05. Review status: criteria provided, single submitter. Criteria: Athena Diagnostics Criteria. Collection method: clinical testing. Allele origin: unknown.
Comment: Available data are insufficient to determine the clinical significance of the variant at this time. The frequency of this variant in the general population is uninformative in assessment of its pathogenicity. Computational tools predict that this variant is not damaging.

GeneDx
Classification: Likely benign. Last evaluated: 2020-12-02. Review status: criteria provided, single submitter. Criteria: GeneDx Variant Classification Process June 2021. Collection method: clinical testing. Allele origin: germline. Affected: yes.
Comment: In silico analysis, which includes protein predictors and evolutionary conservation, supports that this variant does not alter protein structure/function

Laboratory for Molecular Medicine, Mass General Brigham Personalized Medicine
Classification: Uncertain significance. Last evaluated: 2017-10-03. Review status: criteria provided, single submitter. Criteria: LMM Criteria. Collection method: clinical testing. Allele origin: germline. Observed: 1 variant allele.
Comment: The p.Glu1559Asp variant in OTOG has not been previously reported in individuals with hearing loss, but has been identified in 49/62630 European chromosomes by the Genome Aggregation Database (gnomAD; dbSNP rs764159927). Although this variant has been seen in the general population, it s frequency is not high enough to rule out a pathogenic role. Computational pred iction tools and conservation analysis suggest that the p.Glu1559Asp variant may not impact the protein, though this information is not predictive enough to rul e out pathogenicity. In summary, the clinical significance of the p.Glu1559Asp v ariant is uncertain. ACMG/AMP Criteria applied: BP4 (Richards 2015).